The following is an entry in ClinVar:

ClinVar aggregate classification (germline): Likely pathogenic (1 of 4 stars; one submission).

Conditions:
Cardiovascular phenotype. Identifiers: MedGen CN230736.

Submission:

Ambry Genetics
Classification: Likely pathogenic for Cardiovascular phenotype. Last evaluated: 2025-01-16. Review status: criteria provided, single submitter. Criteria: Ambry Variant Classification Scheme 2023. Collection method: clinical testing. Allele origin: germline.
Comment: The c.47706delG variant, located in coding exon 153 of the TTN gene, results from a deletion of one nucleotide at nucleotide position 47706, causing a translational frameshift with a predicted alternate stop codon (p.K15902Nfs*57). This exon is located in the A-band region of the N2-B isoform of the titin protein and is constitutively expressed in TTN transcripts (percent spliced in or PSI 100%). This variant is considered to be rare based on population cohorts in the Genome Aggregation Database (gnomAD). This alteration is expected to result in loss of function by premature protein truncation or nonsense-mediated mRNA decay. While truncating variants in TTN are present in 1-3% of the general population, truncating variants in the A-band are the most common cause of dilated cardiomyopathy (DCM) (Herman DS et al. N. Engl. J. Med., 2012 Feb;366:619-28; Roberts AM et al. Sci Transl Med, 2015 Jan;7:270ra6). TTN truncating variants encoded in constitutive exons (PSI >90%) have been found to be significantly associated with DCM regardless of their position in titin (Schafer S et al. Nat. Genet., 2017 01;49:46-53). As such, this alteration is classified as likely pathogenic.

NM_001267550.2(TTN):c.74901del (p.Lys24967fs)

Genes: TTN (titin; minus strand), TTN-AS1 (TTN antisense RNA 1; plus strand). Cytogenetic location: 2q31.2.
Variant type: Deletion.
Coding change: c.74901del on transcript NM_001267550.2 (MANE Select); coding-DNA position 74901, one base deleted (G; older notation c.74901delG).
Protein change: p.Lys24967fs; shifts the reading frame from lysine 24967.
Molecular consequence: frameshift variant.
Genome position (GRCh38, 1-based): chr2:178,571,231, C deleted on the plus strand (G on the coding strand, the reverse complement: TTN is on the minus strand). VCF-style (leftmost placement, unchanged base first): chr2-178571230-AC-A. GRCh37 (hg19) VCF-style: chr2-179435957-AC-A.
Other names: c.69978del, p.Lys23326fs (NM_001256850.1); c.47706del, p.Lys15902fs (NM_003319.4); c.67197del, p.Lys22399fs (NM_133378.4); c.48081del, p.Lys16027fs (NM_133432.3); c.48282del, p.Lys16094fs (NM_133437.4); c.47706delG (NM_003319.4); short protein forms K16027fs, K23326fs, K15902fs, K16094fs, K22399fs, K24967fs.
Identifiers: ClinVar variation 1742968 (VCV001742968.4), dbSNP rs2468484409, ClinGen allele CA2580064690.